The following is an entry in ClinVar:

ClinVar aggregate classification (germline): Uncertain significance (0 of 4 stars; one submission).

Allele frequency attached by ClinVar (database versions not stated): gnomAD exomes below 0.00001.
gnomAD v4.1: 2 of 1,613,772 alleles (0.00012%); highest among the groups gnomAD compares: Non-Finnish European, 0.00017%; no homozygotes.

Submission:

Greenwood Genetic Center Diagnostic Laboratories, Greenwood Genetic Center
Classification: Uncertain significance. Last evaluated: 2021-06-28. Review status: no assertion criteria provided. Collection method: clinical testing. Allele origin: germline. Affected: yes.
Comment: Gene of uncertain significance

NM_181715.3(CRTC2):c.172C>T (p.Arg58Ter)

Gene: CRTC2 (CREB regulated transcription coactivator 2; minus strand). Cytogenetic location: 1q21.3.
Variant type: single nucleotide variant.
Coding change: c.172C>T on transcript NM_181715.3 (MANE Select); coding-DNA position 172, C replaced by T.
Protein change: p.Arg58Ter; replaces arginine 58 with a stop codon.
Molecular consequence: nonsense.
Genome position (GRCh38, 1-based): chr1:153,955,148, G>A on the plus strand (C>T on the coding strand, the complement: CRTC2 is on the minus strand). VCF-style: chr1-153955148-G-A. GRCh37 (hg19) VCF-style: chr1-153927624-G-A.
Other names: short protein forms R58*.
Identifiers: ClinVar variation 1334493 (VCV001334493.4), dbSNP rs1680557128, ClinGen allele CA342561129.